The following is an entry in ClinVar:

NM_001903.5(CTNNA1):c.1997del (p.Gly666fs)

Gene: CTNNA1 (catenin alpha 1; plus strand). Cytogenetic location: 5q31.2.
Variant type: Deletion.
Coding change: c.1997del on transcript NM_001903.5 (MANE Select); coding-DNA position 1997, one base deleted (G; older notation c.1997delG).
Protein change: p.Gly666fs; shifts the reading frame from glycine 666.
Molecular consequence: frameshift variant.
Genome position (GRCh38, 1-based): chr5:138,929,343, G deleted; the last of 2 consecutive G bases (chr5:138,929,342-138,929,343); deleting either gives the same sequence. VCF-style (leftmost placement, unchanged base first): chr5-138929341-TG-T. GRCh37 (hg19) VCF-style: chr5-138265030-TG-T.
Other names: c.1997delG (NM_001903.2); c.1997del, p.Gly666fs (NM_001290307.3, NM_001323982.2, NM_001323983.1 and 2 more transcripts); c.1688del, p.Gly563fs (NM_001290309.3); c.1628del, p.Gly543fs (NM_001290310.3); c.887del, p.Gly296fs (NM_001290312.1, NM_001323987.1, NM_001323988.1 and 17 more transcripts); c.1904del, p.Gly635fs (NM_001323986.2); c.548del, p.Gly183fs (NM_001324006.1, NM_001324007.1, NM_001324008.1 and 2 more transcripts); c.794del, p.Gly265fs (NM_001324011.1); and 1 more; short protein forms G183fs, G215fs, G265fs, G296fs, G543fs, G563fs, G635fs, G666fs.
Identifiers: ClinVar variation 999250 (VCV000999250.9), dbSNP rs1181915653, ClinGen allele CA804563105.

ClinVar aggregate classification (germline): Pathogenic/Likely pathogenic. Review status: criteria provided, multiple submitters, no conflicts (2 of 4 stars). 3 submissions from 3 submitters: Pathogenic (2); Likely pathogenic (1). Last evaluated 2025-06-30.

Conditions:
Hereditary cancer-predisposing syndrome. Also called: Neoplastic Syndromes, Hereditary; Hereditary neoplastic syndrome; Hereditary Cancer Syndrome; Tumor predisposition. Identifiers: Orphanet 140162, MedGen C0027672, MeSH D009386, MONDO:0015356.
Hereditary diffuse gastric adenocarcinoma (HDGC). Also called: DIFFUSE GASTRIC AND LOBULAR BREAST CANCER SYNDROME. Identifiers: Orphanet 26106, MedGen C1708349, MONDO:0007648, OMIM 137215.

Submissions (3):

Ambry Genetics
Classification: Pathogenic for Hereditary cancer-predisposing syndrome. Last evaluated: 2025-06-30. Review status: criteria provided, single submitter. Criteria: Ambry Variant Classification Scheme 2023. Collection method: clinical testing. Allele origin: germline.
Comment: The c.1997delG pathogenic mutation, located in coding exon 13 of the CTNNA1 gene, results from a deletion of one nucleotide at nucleotide position 1997, causing a translational frameshift with a predicted alternate stop codon. This variant was reported in individual(s) with features consistent with CTNNA1-related diffuse gastric cancer predisposition (Clark DF et al. Genet Med, 2020 May;22:840-846). This variant is considered to be rare based on population cohorts in the Genome Aggregation Database (gnomAD). This alteration is expected to result in loss of function by premature protein truncation or nonsense-mediated mRNA decay. As such, this alteration is interpreted as a disease-causing mutation.

Labcorp Genetics (formerly Invitae), Labcorp
Classification: Pathogenic. Last evaluated: 2025-03-13. Review status: criteria provided, single submitter. Criteria: Invitae Variant Classification Sherloc (09022015). Collection method: clinical testing. Allele origin: germline.
Comment: This sequence change creates a premature translational stop signal (p.Gly666Alafs*56) in the CTNNA1 gene. It is expected to result in an absent or disrupted protein product. Loss-of-function variants in CTNNA1 are known to be pathogenic (PMID: 32051609, 34425242). This variant is not present in population databases (gnomAD no frequency). This premature translational stop signal has been observed in individual(s) with diffuse gastric cancer (PMID: 32051609). ClinVar contains an entry for this variant (Variation ID: 999250). For these reasons, this variant has been classified as Pathogenic.

Myriad Genetics, Inc.
Classification: Likely pathogenic for Hereditary diffuse gastric adenocarcinoma. Last evaluated: 2023-10-19. Review status: criteria provided, single submitter. Criteria: Myriad Autosomal Dominant, Autosomal Recessive and X-Linked Classification Criteria (2023). Collection method: clinical testing. Allele origin: unknown.
Comment: This variant is considered likely pathogenic. This variant creates a frameshift predicted to result in premature protein truncation.

Literature cited by the submitters: PubMed 32051609 (cited by Ambry Genetics and Labcorp Genetics (formerly Invitae), Labcorp); PubMed 34425242 (cited by Labcorp Genetics (formerly Invitae), Labcorp).